The following is an entry in ClinVar:

ClinVar aggregate classification (germline): Uncertain significance. Review status: criteria provided, multiple submitters, no conflicts (2 of 4 stars). 2 submissions from 2 submitters: Uncertain significance (2). Last evaluated 2022-04-14.

Allele frequency attached by ClinVar (database versions not stated): gnomAD exomes below 0.00001; gnomAD 0.00001; TOPMed 0.00001.
gnomAD v4.1: 4 of 1,613,370 alleles (0.00025%); highest among the groups gnomAD compares: Non-Finnish European, 0.00034%; no homozygotes.

Submissions (2):

GeneDx
Classification: Uncertain significance. Last evaluated: 2022-04-14. Review status: criteria provided, single submitter. Criteria: GeneDx Variant Classification Process June 2021. Collection method: clinical testing. Allele origin: germline. Affected: yes.
Comment: Not observed at significant frequency in large population cohorts (gnomAD); Has not been previously published as pathogenic or benign to our knowledge; In silico analysis, which includes splice predictors and evolutionary conservation, suggests this variant may impact gene splicing. In the absence of RNA/functional studies, the actual effect of this sequence change is unknown.

Mayo Clinic Laboratories, Mayo Clinic
Classification: Uncertain significance. Last evaluated: 2021-07-29. Review status: criteria provided, single submitter. Criteria: ACMG Guidelines, 2015. Collection method: clinical testing. Allele origin: germline.

NM_003850.3(SUCLA2):c.1228+4A>G

Gene: SUCLA2 (succinate-CoA ligase ADP-forming subunit beta; minus strand). Cytogenetic location: 13q14.2.
Variant type: single nucleotide variant.
Coding change: c.1228+4A>G on transcript NM_003850.3 (MANE Select); 4 bases into the intron after coding-DNA position 1228, A replaced by G.
Molecular consequence: intron variant.
Genome position (GRCh38, 1-based): chr13:47,949,479, T>C on the plus strand (A>G on the coding strand, the complement: SUCLA2 is on the minus strand). VCF-style: chr13-47949479-T-C. GRCh37 (hg19) VCF-style: chr13-48523614-T-C.
Identifiers: ClinVar variation 1694084 (VCV001694084.6), dbSNP rs960659674, ClinGen allele CA249817871.